The following is an entry in ClinVar:

ClinVar aggregate classification (germline): Uncertain significance (1 of 4 stars; one submission).

Submission:

Labcorp Genetics (formerly Invitae), Labcorp
Classification: Uncertain significance. Last evaluated: 2025-07-28. Review status: criteria provided, single submitter. Criteria: Invitae Variant Classification Sherloc (09022015). Collection method: clinical testing. Allele origin: germline.
Comment: This sequence change replaces isoleucine, which is neutral and non-polar, with methionine, which is neutral and non-polar, at codon 507 of the COL4A2 protein (p.Ile507Met). This variant is not present in population databases (gnomAD no frequency). This variant has not been reported in the literature in individuals affected with COL4A2-related conditions. ClinVar contains an entry for this variant (Variation ID: 3699545). Invitae Evidence Modeling of protein sequence and biophysical properties (such as structural, functional, and spatial information, amino acid conservation, physicochemical variation, residue mobility, and thermodynamic stability) indicates that this missense variant is not expected to disrupt COL4A2 protein function with a negative predictive value of 95%. In summary, the available evidence is currently insufficient to determine the role of this variant in disease. Therefore, it has been classified as a Variant of Uncertain Significance.

NM_001846.4(COL4A2):c.1521C>G (p.Ile507Met)

Genes: COL4A2 (collagen type IV alpha 2 chain; plus strand), COL4A2-AS2 (COL4A2 antisense RNA 2; minus strand). Cytogenetic location: 13q34.
Variant type: single nucleotide variant.
Coding change: c.1521C>G on transcript NM_001846.4 (MANE Select); coding-DNA position 1521, C replaced by G.
Protein change: p.Ile507Met; replaces isoleucine 507 with methionine.
Molecular consequence: missense variant.
Genome position (GRCh38, 1-based): chr13:110,458,859, C>G. VCF-style: chr13-110458859-C-G. GRCh37 (hg19) VCF-style: chr13-111111206-C-G.
Other names: short protein forms I507M.
Identifiers: ClinVar variation 3699545 (VCV003699545.2).